The following is an entry in ClinVar:

ClinVar aggregate classification (germline): Pathogenic. Review status: criteria provided, multiple submitters, no conflicts (2 of 4 stars). 2 submissions from 2 submitters: Pathogenic (2). Last evaluated 2023-10-02.

Conditions:
Breast-ovarian cancer, familial, susceptibility to, 2 (BROVCA2). Also called: BRCA2 Hereditary Breast and Ovarian Cancer. Identifiers: Orphanet 145, MedGen C2675520, MONDO:0012933, OMIM 612555. Disease mechanism: loss of function.
Hereditary cancer-predisposing syndrome. Also called: Hereditary neoplastic syndrome; Neoplastic Syndromes, Hereditary; Tumor predisposition; Hereditary Cancer Syndrome. Identifiers: Orphanet 140162, MedGen C0027672, MeSH D009386, MONDO:0015356.

Submissions (2):

All of Us Research Program, National Institutes of Health
Classification: Pathogenic for Breast-ovarian cancer, familial, susceptibility to, 2. Last evaluated: 2023-10-02. Review status: criteria provided, single submitter. Criteria: ACMG Guidelines, 2015. Collection method: clinical testing. Allele origin: germline. Inheritance: Autosomal dominant inheritance. Observed: 1 variant allele, 1 heterozygote.
Comment: This variant changes 1 nucleotide in exon 14 of the BRCA2 gene, creating a premature translation stop signal. This variant is expected to result in an absent or non-functional protein product. To our knowledge, this variant has not been reported in individuals affected with BRCA2-related disorders in the literature. This variant has not been identified in the general population by the Genome Aggregation Database (gnomAD). Loss of BRCA2 function is a known mechanism of disease. Based on the available evidence, this variant is classified as Pathogenic.

This study involves interpretation of variants in research participants for the purpose of population health screening. Participant phenotype was not available at the time of variant classification. Additional details can be found in publication PMID: 35346344, PMCID: PMC8962531

Color Diagnostics, LLC DBA Color Health
Classification: Pathogenic for Hereditary cancer-predisposing syndrome. Last evaluated: 2023-08-23. Review status: criteria provided, single submitter. Criteria: ACMG Guidelines, 2015. Collection method: clinical testing. Allele origin: germline.
Comment: This variant changes 1 nucleotide in exon 14 of the BRCA2 gene, creating a premature translation stop signal. This variant is expected to result in an absent or non-functional protein product. To our knowledge, this variant has not been reported in individuals affected with BRCA2-related disorders in the literature. This variant has not been identified in the general population by the Genome Aggregation Database (gnomAD). Loss of BRCA2 function is a known mechanism of disease. Based on the available evidence, this variant is classified as Pathogenic.

NM_000059.4(BRCA2):c.7089T>A (p.Tyr2363Ter)

Gene: BRCA2 (BRCA2 DNA repair associated; plus strand). Cytogenetic location: 13q13.1.
Variant type: single nucleotide variant.
Coding change: c.7089T>A on transcript NM_000059.4 (MANE Select); coding-DNA position 7089, T replaced by A.
Protein change: p.Tyr2363Ter; replaces tyrosine 2363 with a stop codon.
Molecular consequence: nonsense. On other transcripts: non-coding transcript variant (1).
Genome position (GRCh38, 1-based): chr13:32,354,942, T>A. VCF-style: chr13-32354942-T-A. GRCh37 (hg19) VCF-style: chr13-32929079-T-A.
Other names: c.6993T>A, p.Tyr2331Ter (NM_001406719.1); c.7089T>A, p.Tyr2363Ter (NM_001406720.1); c.2157T>A, p.Tyr719Ter (NM_001406721.1); c.672T>A, p.Tyr224Ter (NM_001406722.1); short protein forms Y224*, Y2331*, Y2363*, Y719*.
Identifiers: ClinVar variation 3073658 (VCV003073658.2), dbSNP rs2137555835, ClinGen allele CA387738530.